The following is an entry in ClinVar:

NM_001393769.1(MED12L):c.6149A>C (p.His2050Pro)

Gene: MED12L (mediator complex subunit 12L; plus strand). Cytogenetic location: 3q25.1.
Variant type: single nucleotide variant.
Coding change: c.6149A>C on transcript NM_001393769.1 (MANE Select); coding-DNA position 6149, A replaced by C.
Protein change: p.His2050Pro; replaces histidine 2050 with proline.
Molecular consequence: missense variant.
Genome position (GRCh38, 1-based): chr3:151,413,147, A>C. VCF-style: chr3-151413147-A-C. GRCh37 (hg19) VCF-style: chr3-151130935-A-C.
Other names: c.6044A>C, p.His2015Pro (NM_053002.6); short protein forms H2015P, H2050P.
Identifiers: ClinVar variation 4689047 (VCV004689047.1).

ClinVar aggregate classification (germline): Uncertain significance (1 of 4 stars; one submission).

Submission:

Women's Health and Genetics/Laboratory Corporation of America, LabCorp
Classification: Uncertain significance. Last evaluated: 2026-01-29. Review status: criteria provided, single submitter. Criteria: LabCorp Variant Classification Summary - May 2015. Collection method: clinical testing. Allele origin: germline.
Comment: Variant summary: MED12L c.6044A>C (p.His2015Pro) results in a non-conservative amino acid change in the encoded protein sequence. Algorithms developed to predict the effect of missense changes on protein structure and function are either unavailable or do not agree on the potential impact of this missense change. The variant was absent in 250752 control chromosomes. The available data on variant occurrences in the general population are insufficient to allow any conclusion about variant significance. To our knowledge, no occurrence of c.6044A>C in individuals affected with MED12L-related conditions and no experimental evidence demonstrating its impact on protein function have been reported. No submitters have cited clinical-significance assessments for this variant to ClinVar. Based on the evidence outlined above, the variant was classified as uncertain significance.